The following is an entry in ClinVar:

NC_000017.10:g.(?_55926581)_(55927371_?)del

Gene: MRPS23 (mitochondrial ribosomal protein S23; minus strand). Cytogenetic location: 17q22.
Variant type: Deletion.
Identifiers: ClinVar variation 2426263 (VCV002426263.4).

ClinVar aggregate classification (germline): Uncertain significance (1 of 4 stars; one submission).

Submission:

Labcorp Genetics (formerly Invitae), Labcorp
Classification: Uncertain significance. Last evaluated: 2022-05-31. Review status: criteria provided, single submitter. Criteria: Invitae Variant Classification Sherloc (09022015). Collection method: clinical testing. Allele origin: germline.
Comment: In summary, the available evidence is currently insufficient to determine the role of this variant in disease. Therefore, it has been classified as a Variant of Uncertain Significance. This variant has not been reported in the literature in individuals affected with MRPS23-related conditions. This variant is a gross deletion of the genomic region encompassing exon(s) 1-2 of the MRPS23 gene, which includes the initiator codon. This deletion extends beyond the assayed region for this gene and therefore may encompass additional genes. It is expected to result in an absent or disrupted protein product. However, the current clinical and genetic evidence is not sufficient to establish whether loss-of-function variants in MRPS23 cause disease.